The following is an entry in ClinVar:

NC_000003.11:g.(?_93593089)_(93772107_?)dup

Genes: ARL13B (ARF like GTPase 13B; plus strand), PROS1 (protein S; minus strand), STX19 (syntaxin 19; minus strand). Cytogenetic location: 3q11.1.
Variant type: Duplication.
Identifiers: ClinVar variation 2422858 (VCV002422858.3).

ClinVar aggregate classification (germline): Uncertain significance (1 of 4 stars; one submission).

Conditions:
Thrombophilia due to protein S deficiency, autosomal recessive (THPH6). Identifiers: Orphanet 743, MedGen C3281092, MONDO:0013791, OMIM 614514. Disease mechanism: loss of function.

Submission:

Labcorp Genetics (formerly Invitae), Labcorp
Classification: Uncertain significance for Thrombophilia due to protein S deficiency, autosomal recessive. Last evaluated: 2021-03-16. Review status: criteria provided, single submitter. Criteria: Invitae Variant Classification Sherloc (09022015). Collection method: clinical testing. Allele origin: germline.
Comment: A gross duplication of the genomic region encompassing the full coding sequence of the PROS1 gene has been identified. The boundaries of this event are unknown as the duplication extends beyond the assayed region for this gene and therefore may encompass additional genes. As the precise location of this duplication is unknown, it may be in tandem or it may be located elsewhere in the genome. Duplication of the entire PROS1 gene has not been reported in the literature in individuals with PROS1-related disease. In summary, the available evidence is currently insufficient to determine the role of this variant in disease. Therefore, it has been classified as a Variant of Uncertain Significance.